The following is an entry in ClinVar:

ClinVar aggregate classification (germline): Uncertain significance. Review status: criteria provided, multiple submitters, no conflicts (2 of 4 stars). 2 submissions from 2 submitters: Uncertain significance (2). Last evaluated 2026-05-13.

Conditions:
Gastrointestinal stromal tumor. Also called: Gastrointestinal stromal tumor, somatic; Gastrointestinal stroma tumor. Identifiers: Orphanet 44890, MedGen C0238198, MeSH D046152, MONDO:0011719, OMIM 606764, HP:0100723.
Mastocytosis. Also called: Mast Cell Disease. Identifiers: Orphanet 98292, MedGen C0024899, MONDO:0007950, HP:0100495.
Hereditary cancer-predisposing syndrome. Also called: Tumor predisposition; Neoplastic Syndromes, Hereditary; Hereditary neoplastic syndrome; Hereditary Cancer Syndrome. Identifiers: Orphanet 140162, MedGen C0027672, MeSH D009386, MONDO:0015356.

Submissions (2):

Ambry Genetics
Classification: Uncertain significance for Hereditary cancer-predisposing syndrome. Last evaluated: 2026-05-13. Review status: criteria provided, single submitter. Criteria: Ambry Variant Classification Scheme 2023. Collection method: clinical testing. Allele origin: germline.
Comment: The p.Q556E variant (also known as c.1666C>G), located in coding exon 11 of the KIT gene, results from a C to G substitution at nucleotide position 1666. The glutamine at codon 556 is replaced by glutamic acid, an amino acid with highly similar properties. This amino acid position is highly conserved in available vertebrate species. In addition, the in silico prediction for this alteration is inconclusive. Based on the available evidence, the clinical significance of this variant remains unclear.

Labcorp Genetics (formerly Invitae), Labcorp
Classification: Uncertain significance for Gastrointestinal stromal tumor. Last evaluated: 2020-12-02. Review status: criteria provided, single submitter. Criteria: Invitae Variant Classification Sherloc (09022015). Collection method: clinical testing. Allele origin: germline.
Comment: In summary, the available evidence is currently insufficient to determine the role of this variant in disease. Therefore, it has been classified as a Variant of Uncertain Significance. Algorithms developed to predict the effect of missense changes on protein structure and function (SIFT, PolyPhen-2, Align-GVGD) all suggest that this variant is likely to be disruptive, but these predictions have not been confirmed by published functional studies and their clinical significance is uncertain. This sequence change replaces glutamine with glutamic acid at codon 556 of the KIT protein (p.Gln556Glu). The glutamine residue is highly conserved and there is a small physicochemical difference between glutamine and glutamic acid. This variant is not present in population databases (ExAC no frequency). This variant has not been reported in the literature in individuals with KIT-related conditions.

NM_000222.3(KIT):c.1666C>G (p.Gln556Glu)

Gene: KIT (KIT proto-oncogene, receptor tyrosine kinase; plus strand). Cytogenetic location: 4q12.
Variant type: single nucleotide variant.
Coding change: c.1666C>G on transcript NM_000222.3 (MANE Select); coding-DNA position 1666, C replaced by G.
Protein change: p.Gln556Glu; replaces glutamine 556 with glutamic acid.
Molecular consequence: missense variant.
Genome position (GRCh38, 1-based): chr4:54,727,434, C>G. VCF-style: chr4-54727434-C-G. GRCh37 (hg19) VCF-style: chr4-55593600-C-G.
Other names: c.1654C>G, p.Gln552Glu (NM_001093772.2, NM_001385286.1); c.1669C>G, p.Gln557Glu (NM_001385284.1, NM_001385290.1); c.1666C>G, p.Gln556Glu (NM_001385285.1); c.1657C>G, p.Gln553Glu (NM_001385288.1, NM_001385292.1); c.1666C>G (NM_000222.2); short protein forms Q553E, Q552E, Q556E, Q557E.
Identifiers: ClinVar variation 1035185 (VCV001035185.12), dbSNP rs1722301014, ClinGen allele CA356907456.